The following is an entry in ClinVar:

NM_014915.3(ANKRD26):c.4928A>G (p.Asn1643Ser)

Gene: ANKRD26 (ankyrin repeat domain 26; minus strand). Cytogenetic location: 10p12.1.
Variant type: single nucleotide variant.
Coding change: c.4928A>G on transcript NM_014915.3 (MANE Select); coding-DNA position 4928, A replaced by G.
Protein change: p.Asn1643Ser; replaces asparagine 1643 with serine.
Molecular consequence: missense variant.
Genome position (GRCh38, 1-based): chr10:27,012,907, T>C on the plus strand (A>G on the coding strand, the complement: ANKRD26 is on the minus strand). VCF-style: chr10-27012907-T-C. GRCh37 (hg19) VCF-style: chr10-27301836-T-C.
Other names: c.4925A>G, p.Asn1642Ser (NM_001256053.2); short protein forms N1643S, N1642S.
Identifiers: ClinVar variation 4579413 (VCV004579413.1).

ClinVar aggregate classification (germline): Uncertain significance (1 of 4 stars; one submission).

Conditions:
Inborn genetic diseases. Identifiers: MedGen C0950123, MeSH D030342.

gnomAD v4.1: 3 of 1,613,948 alleles (0.00019%); highest among the groups gnomAD compares: Non-Finnish European, 0.00025%; no homozygotes.

Submission:

Ambry Genetics
Classification: Uncertain significance for Inborn genetic diseases. Last evaluated: 2025-10-14. Review status: criteria provided, single submitter. Criteria: Ambry Variant Classification Scheme 2023. Collection method: clinical testing. Allele origin: germline.
Comment: The p.N1643S variant (also known as c.4928A>G), located in coding exon 32 of the ANKRD26 gene, results from an A to G substitution at nucleotide position 4928. The asparagine at codon 1643 is replaced by serine, an amino acid with highly similar properties. This amino acid position is conserved. In addition, this alteration is predicted to be tolerated by in silico analysis. Based on the available evidence, the clinical significance of this variant remains unclear.